The following is an entry in ClinVar:

ClinVar aggregate classification (germline): Likely benign (0 of 4 stars; one submission).

Conditions:
AXIN1-related disorder. Also called: AXIN1-related condition.

gnomAD v4.1: 9 of 1,541,750 alleles (0.00058%); highest among the groups gnomAD compares: Non-Finnish European, 0.00078%; no homozygotes.

Submission:

PreventionGenetics, part of Exact Sciences
Classification: Likely benign for AXIN1-related condition. Last evaluated: 2019-07-16. Review status: no assertion criteria provided. Collection method: clinical testing. Allele origin: germline.
Comment: This variant is classified as likely benign based on ACMG/AMP sequence variant interpretation guidelines (Richards et al. 2015 PMID: 25741868, with internal and published modifications).

NM_003502.4(AXIN1):c.1314G>T (p.Leu438=)

Gene: AXIN1 (axin 1; minus strand). Cytogenetic location: 16p13.3.
Variant type: single nucleotide variant.
Coding change: c.1314G>T on transcript NM_003502.4 (MANE Select); coding-DNA position 1314, G replaced by T.
Protein change: p.Leu438=; no amino-acid change (leucine 438 retained).
Molecular consequence: synonymous variant. On other transcripts: non-coding transcript variant (1).
Genome position (GRCh38, 1-based): chr16:298,192, C>A on the plus strand (G>T on the coding strand, the complement: AXIN1 is on the minus strand). VCF-style: chr16-298192-C-A. GRCh37 (hg19) VCF-style: chr16-348192-C-A.
Other names: c.1314G>T, p.Leu438= (NM_181050.3).
Identifiers: ClinVar variation 3049424 (VCV003049424.2), dbSNP rs1200388281, ClinGen allele CA492996953.
Genomic context (GRCh38, chr16:298,192, plus strand): 5'-CCCGGCACAGCCCATGTCCACACAGCGGGGCGGGAAGTGGTGCCAAGCGGGGGCGGGAGG[C>A]AGCTTGTGACACGGCCCTGGGGGCCCTGACGATGGATCGCCGTCCTCACCTTCCTCCTCC-3'
Protein context (NP_003493.1, residues 428-448): SSGPPGPCHK[Leu438=]PPAPAWHHFP